The following is an entry in ClinVar:

ClinVar aggregate classification (germline): Uncertain significance (1 of 4 stars; one submission).

Conditions:
Long QT syndrome (LQTS). Identifiers: MedGen C0023976, MeSH D008133, MONDO:0002442. Disease mechanism: loss of function. Inheritance: Various modes of inheritance.

Submission:

Labcorp Genetics (formerly Invitae), Labcorp
Classification: Uncertain significance for Long QT syndrome. Last evaluated: 2022-03-05. Review status: criteria provided, single submitter. Criteria: Invitae Variant Classification Sherloc (09022015). Collection method: clinical testing. Allele origin: germline.
Comment: In summary, the available evidence is currently insufficient to determine the role of this variant in disease. Therefore, it has been classified as a Variant of Uncertain Significance. This sequence change replaces aspartic acid, which is acidic and polar, with tyrosine, which is neutral and polar, at codon 448 of the CACNA1C protein (p.Asp448Tyr). This variant is not present in population databases (gnomAD no frequency). This variant has not been reported in the literature in individuals affected with CACNA1C-related conditions. ClinVar contains an entry for this variant (Variation ID: 843169). Algorithms developed to predict the effect of missense changes on protein structure and function are either unavailable or do not agree on the potential impact of this missense change (SIFT: "Deleterious"; PolyPhen-2: "Probably Damaging"; Align-GVGD: "Class C15").

NM_000719.7(CACNA1C):c.1342G>T (p.Asp448Tyr)

Gene: CACNA1C (calcium voltage-gated channel subunit alpha1 C; plus strand). Cytogenetic location: 12p13.33.
Variant type: single nucleotide variant.
Coding change: c.1342G>T on transcript NM_000719.7 (MANE Select); coding-DNA position 1342, G replaced by T.
Protein change: p.Asp448Tyr; replaces aspartic acid 448 with tyrosine.
Molecular consequence: missense variant.
Genome position (GRCh38, 1-based): chr12:2,512,936, G>T. VCF-style: chr12-2512936-G-T. GRCh37 (hg19) VCF-style: chr12-2622102-G-T.
Other names: c.1342G>T, p.Asp448Tyr (NM_001129827.2, NM_001129829.2, NM_001129830.3 and 18 more transcripts); c.1333G>T, p.Asp445Tyr (NM_001129844.2); short protein forms D445Y, D448Y.
Identifiers: ClinVar variation 843169 (VCV000843169.10), dbSNP rs786205746, ClinGen allele CA383367175.